The following is an entry in ClinVar:

NM_000297.4(PKD2):c.1094+3_1094+6del

Gene: PKD2 (polycystin 2, transient receptor potential cation channel; plus strand). Cytogenetic location: 4q22.1.
Variant type: Deletion.
Coding change: c.1094+3_1094+6del on transcript NM_000297.4 (MANE Select); bases 3 to 6 of the intron after coding-DNA position 1094, 4 bases deleted (AAGT; older notation c.1094+3_1094+6delAAGT).
Molecular consequence: splice donor variant.
Genome position (GRCh38, 1-based): chr4:88,038,504-88,038,507, AAGT deleted; deleting any 4 consecutive bases within chr4:88,038,502-88,038,507 gives the same sequence; the c. name uses the placement nearest the transcript's 3' end. VCF-style (leftmost placement, unchanged base first): chr4-88038501-CGTAA-C. GRCh37 (hg19) VCF-style: chr4-88959653-CGTAA-C.
Other names: c.1094+3_1094+6delAAGT (NM_000297.3).
Identifiers: ClinVar variation 434014 (VCV000434014.41), dbSNP rs1553925470, ClinGen allele CA645372753.

ClinVar aggregate classification (germline): Pathogenic/Likely pathogenic. Review status: criteria provided, multiple submitters, no conflicts (2 of 4 stars). 14 submissions from 14 submitters: Pathogenic (8); Likely pathogenic (4). 2 of the submissions do not count toward it. Last evaluated 2026-10-23.

Conditions:
Inborn genetic diseases. Identifiers: MedGen C0950123, MeSH D030342.
Polycystic kidney disease. Also called: Polycystic kidney dysplasia; Kidney, Polycystic. Identifiers: MedGen C0022680, MeSH D007690, MONDO:0020642, HP:0000113.
Cystic renal disease.
Autosomal dominant polycystic kidney disease. Identifiers: Orphanet 730, MedGen C0085413, MONDO:0004691.
Polycystic kidney disease 2 (PKD2). Also called: Polycystic Kidney Disease 2, Autosomal Dominant; POLYCYSTIC KIDNEY DISEASE 2 WITH OR WITHOUT POLYCYSTIC LIVER DISEASE; POLYCYSTIC KIDNEY DISEASE, ADULT, TYPE II. Identifiers: MedGen C2751306, MONDO:0013131, OMIM 613095.
PKD2-related disorder. Also called: PKD2-related condition.

Submissions 1 to 12 of 14:

GeneDx
Classification: Likely pathogenic. Last evaluated: 2026-10-23. Review status: criteria provided, single submitter. Criteria: GeneDx Variant Classification Process June 2021. Collection method: clinical testing. Allele origin: germline.
Comment: Published functional studies detect an altered transcript retaining all or a portion of intron 4 in a patient with the variant (PMID: 17582161); Not observed at significant frequency in large population cohorts (gnomAD); In silico analysis supports a deleterious effect on splicing; This variant is associated with the following publications: (PMID: 37372416, 39888183, 12707387, 30333007, 29529603, 18837007, 34101167, 35778421, 22383692, 17582161)

Genetics Laboratory, Great Ormond Street Hospital NHS Foundation Trust, North Thames Genomic Laboratory Hub
Classification: Likely pathogenic for Cystic renal disease. Last evaluated: 2026-06-08. Review status: criteria provided, single submitter. Criteria: ACGS Best Practice Guidelines for Variant Classification in Rare Disease 2024 v1.2. Collection method: clinical testing. Allele origin: germline. Affected: yes.
Comment: PS4_moderate, PM2_moderate, PP3_supporting, PP4_supporting

Victorian Clinical Genetics Services, Murdoch Childrens Research Institute
Classification: Pathogenic for Polycystic kidney disease 2. Last evaluated: 2026-05-07. Review status: criteria provided, single submitter. Criteria: ACMG Guidelines, 2015. Collection method: clinical testing. Allele origin: germline. Affected: yes.
Comment: This variant is classified as Pathogenic. Evidence in support of pathogenic classification: Splice site variant proven to affect splicing of the transcript with uncertain effect on protein sequence. Functional studies on patient RNA demonstrated this variant results in the incorporation of some, or all, of intron 4 into the sequence (PMID: 17582161); Variant is present in gnomAD <0.001 for a dominant condition (v4: 3 heterozygote(s), 0 homozygote(s)); This variant has strong previous evidence of pathogenicity in unrelated individuals. This variant has been classified as likely pathogenic and pathogenic by multiple clinical laboratories in ClinVar, and reported in the literature in many individuals with autosomal dominant polycystic kidney disease (PMIDs: 22508176, 35778421). Additional information: This variant is heterozygous; This gene is associated with autosomal dominant disease; Loss of function is a known mechanism of disease in this gene and is associated with polycystic kidney disease 2 (MIM#613095); Inheritance information for this variant is not currently available in this individual.

Medical and Scientific Branch, Hong Kong Genome Institute
Classification: Pathogenic for Polycystic kidney disease 2. Last evaluated: 2026-01-26. Review status: criteria provided, single submitter. Criteria: ACMG Guidelines, 2015. Collection method: clinical testing. Allele origin: unknown. Affected: yes.

Labcorp Genetics (formerly Invitae), Labcorp
Classification: Likely pathogenic for Autosomal dominant polycystic kidney disease. Last evaluated: 2025-12-08. Review status: criteria provided, single submitter. Criteria: Invitae Variant Classification Sherloc (09022015). Collection method: clinical testing. Allele origin: germline.
Comment: This sequence change falls in intron 4 of the PKD2 gene. It does not directly change the encoded amino acid sequence of the PKD2 protein. It affects a nucleotide within the consensus splice site. This variant is not present in population databases (gnomAD no frequency). This variant has been observed in individuals with autosomal dominant polycystic kidney disease (PMID: 12707387, 29529603, 30333007, 35778421, 37372416). This variant is also known as IVS4+3del4. ClinVar contains an entry for this variant (Variation ID: 434014). Variants that disrupt the consensus splice site are a relatively common cause of aberrant splicing (PMID: 17576681, 9536098). Algorithms developed to predict the effect of sequence changes on RNA splicing suggest that this variant may disrupt the consensus splice site. In summary, the currently available evidence indicates that the variant is pathogenic, but additional data are needed to prove that conclusively. Therefore, this variant has been classified as Likely Pathogenic.

Genetic Services Laboratory, University of Chicago
Classification: Pathogenic. Last evaluated: 2024-08-12. Review status: criteria provided, single submitter. Criteria: ACMG Guidelines, 2015. Collection method: clinical testing. Allele origin: germline. Affected: yes.
Comment: DNA sequence analysis of the PKD2 gene demonstrated a 4 base pair deletion in the canonical splice donor site of intron 4, c.1094+3_1094+6del. This canonical splice site deletion has been reported in several unrelated individuals with Autosomal Dominant Polycystic Kidney Disease (ADPKD) (PMID: 12707387, 30333007, 29529603). Functional analyses have demonstrated a loss of the canonical splice donor site and incorporation of intron 4 into the mRNA sequence and is expected to result in an abnormal protein product (PMID: 17582161). This sequence change has not been described in population databases such as ExAC and gnomAD. Considering the collective evidences, this canonical splice site deletion is classified as pathogenic and is the likely cause of this individual's phenotype.

Fulgent Genetics
Classification: Pathogenic for Polycystic kidney disease 2. Last evaluated: 2024-05-09. Review status: criteria provided, single submitter. Criteria: ACMG Guidelines, 2015. Collection method: clinical testing. Allele origin: germline.

Blueprint Genetics
Classification: Pathogenic for PKD2-related disorders. Last evaluated: 2024-04-17. Review status: criteria provided, single submitter. Criteria: ACMG Guidelines, 2015. Collection method: clinical testing. Allele origin: germline. Affected: yes. Observed: 4 variant alleles.

Ambry Genetics
Classification: Pathogenic for Inborn genetic diseases. Last evaluated: 2022-11-29. Review status: criteria provided, single submitter. Criteria: Ambry Variant Classification Scheme 2023. Collection method: clinical testing. Allele origin: germline.
Comment: The c.1094+3_1094+6delAAGT variant results from a deletion of 4 nucleotides between positions c.1094+3 and c.1094+6 after coding exon 4 of the PKD2 gene. This variant was not reported in population-based cohorts in the Genome Aggregation Database (gnomAD). This variant has been reported in several individuals with autosomal dominant polycystic kidney disease (Magistroni, 2003; Tan, 2009; Rossetti, 2012; He, 2018; Xu, 2018; Xu, 2021). In silico splice site analysis predicts that this alteration will weaken the native splice donor site. Based on the available evidence, this alteration is classified as pathogenic.

ARUP Laboratories, Molecular Genetics and Genomics, ARUP Laboratories
Classification: Pathogenic for Polycystic kidney disease 2. Last evaluated: 2019-01-29. Review status: criteria provided, single submitter. Criteria: ARUP Molecular Germline Variant Investigation Process. Collection method: clinical testing. Allele origin: germline.
Comment: The PKD2 c.1094+3_1094+6delAAGT variant has been described in multiple individuals and families affected with autosomal dominant polycystic kidney disease (ADPKD; see link to Mayo database, He 2018, Magistroni 2003, Rossetti 2007, Rossetti 2012). It contains an entry in ClinVar (Variation ID: 434014) and is absent from general population databases (Exome Variant Server and Genome Aggregation Database), indicating it is not a common polymorphism. This variant deletes four nucleotides of the consensus splice donor site within intron 4, and RNA studies have demonstrated a loss of the canonical splice donor site and incorporation of intron 4 into the sequence (Rossetti 2007). Based on available information, this variant is considered pathogenic. REFERENCES Link to Mayo ADPKD database: He W et al. Novel mutations of PKD genes in Chinese patients suffering from autosomal dominant polycystic kidney disease and seeking assisted reproduction. BMC Med Genet. 2018 Oct 17;19(1):186. Magistroni R et al. Genotype-renal function correlation in type 2 autosomal dominant polycystic kidney disease. J Am Soc Nephrol. 2003 May;14(5):1164-74. Rossetti S et al. Comprehensive molecular diagnostics in autosomal dominant polycystic kidney disease. J Am Soc Nephrol. 2007 Jul;18(7):2143-60. Rossetti S et al. Identification of gene mutations in autosomal dominant polycystic kidney disease through targeted resequencing. J Am Soc Nephrol. 2012 May;23(5):915-33.

Eurofins Ntd Llc (ga)
Classification: Pathogenic. Last evaluated: 2017-08-18. Review status: criteria provided, single submitter. Criteria: EGL Classification Definitions 2015. Collection method: clinical testing. Allele origin: germline. Observed: 1 variant allele, 1 heterozygote.

Juno Genomics, Hangzhou Juno Genomics, Inc
Classification: Likely pathogenic for Polycystic kidney disease 2. Review status: criteria provided, single submitter. Criteria: ACMG Guidelines, 2015. Collection method: clinical testing. Allele origin: germline. Affected: yes.
Comment: Absent from controls (or at extremely low frequency if recessive) in Genome Aggregation Database, Exome Sequencing Project, 1000 Genomes Project, or Exome Aggregation Consortium.;The prevalence of the variant in affected individuals is significantly increased compared to the prevalence in controls.;Well-established in vitro or in vivo functional studies supportive of a damaging effect on the gene or gene product.;Patient's phenotype or family history is highly specific for a disease with a single genetic etiology.